The following is an entry in ClinVar:

ClinVar aggregate classification (germline): Uncertain significance (1 of 4 stars; one submission).

Conditions:
Immunodeficiency 35 (IMD35). Also called: TYK2 DEFICIENCY; Susceptibility to infection due to TYK2 deficiency; HIES WITH ATYPICAL MYCOBACTERIOSIS, AUTOSOMAL RECESSIVE; HYPER-IgE SYNDROME WITH ATYPICAL MYCOBACTERIOSIS, AUTOSOMAL RECESSIVE. Identifiers: Orphanet 331226, MedGen C1969086, MONDO:0012682, OMIM 611521.

Allele frequency attached by ClinVar (database versions not stated): 1000 Genomes Project 30x 0.00016; 1000 Genomes Project 0.00020.
gnomAD v4.1: 52 of 1,611,584 alleles (0.0032%); highest among the groups gnomAD compares: East Asian, 0.031%; no homozygotes.

Submission:

Labcorp Genetics (formerly Invitae), Labcorp
Classification: Uncertain significance for Immunodeficiency 35. Last evaluated: 2022-07-01. Review status: criteria provided, single submitter. Criteria: Invitae Variant Classification Sherloc (09022015). Collection method: clinical testing. Allele origin: germline.
Comment: This variant is present in population databases (rs561118378, gnomAD 0.04%). In summary, the available evidence is currently insufficient to determine the role of this variant in disease. Therefore, it has been classified as a Variant of Uncertain Significance. Algorithms developed to predict the effect of missense changes on protein structure and function are either unavailable or do not agree on the potential impact of this missense change (SIFT: "Not Available"; PolyPhen-2: "Possibly Damaging"; Align-GVGD: "Not Available"). This variant has not been reported in the literature in individuals affected with TYK2-related conditions. This sequence change replaces arginine, which is basic and polar, with histidine, which is basic and polar, at codon 220 of the TYK2 protein (p.Arg220His).

NM_003331.5(TYK2):c.659G>A (p.Arg220His)

Gene: TYK2 (tyrosine kinase 2; minus strand). Cytogenetic location: 19p13.2.
Variant type: single nucleotide variant.
Coding change: c.659G>A on transcript NM_003331.5 (MANE Select); coding-DNA position 659, G replaced by A.
Protein change: p.Arg220His; replaces arginine 220 with histidine.
Molecular consequence: missense variant. On other transcripts: intron variant (1).
Genome position (GRCh38, 1-based): chr19:10,365,869, C>T on the plus strand (G>A on the coding strand, the complement: TYK2 is on the minus strand). VCF-style: chr19-10365869-C-T. GRCh37 (hg19) VCF-style: chr19-10476545-C-T.
Other names: c.659G>A, p.Arg220His (NM_001385197.1, NM_001385198.1, NM_001385199.1 and 8 more transcripts); c.630-61G>A (NM_001385205.1); short protein forms R220H.
Identifiers: ClinVar variation 2141055 (VCV002141055.2), dbSNP rs561118378, ClinGen allele CA9193656.
Genomic context (GRCh38, chr19:10,365,869, plus strand): 5'-CTGCGGAAGACGTTCCGAAGGCGCAGCCGGGTCAGGGCGCTGTGCTGCCGGATATGCCGG[C>T]GGAAGGAGCGCGGGATGCAGTCCTTGAAGCTGGGGGGAAACACAGTGAGGGGCTGGTCAG-3'
Protein context (NP_003322.3, residues 210-230): SFKDCIPRSF[Arg220His]RHIRQHSALT